The following is an entry in ClinVar:

ClinVar aggregate classification (germline): Uncertain significance. Review status: criteria provided, multiple submitters, no conflicts (2 of 4 stars). 4 submissions from 4 submitters: Uncertain significance (4). Last evaluated 2025-04-09.

Conditions:
Hereditary cancer-predisposing syndrome. Also called: Hereditary Cancer Syndrome; Hereditary neoplastic syndrome; Tumor predisposition; Neoplastic Syndromes, Hereditary. Identifiers: Orphanet 140162, MedGen C0027672, MeSH D009386, MONDO:0015356.

Allele frequency attached by ClinVar (database versions not stated): gnomAD exomes below 0.00001 and 0.00001; TOPMed below 0.00001; gnomAD 0.00001; ExAC 0.00002.

Submissions (4):

Labcorp Genetics (formerly Invitae), Labcorp
Classification: Uncertain significance. Last evaluated: 2025-04-09. Review status: criteria provided, single submitter. Criteria: Invitae Variant Classification Sherloc (09022015). Collection method: clinical testing. Allele origin: germline.
Comment: This sequence change replaces serine, which is neutral and polar, with leucine, which is neutral and non-polar, at codon 135 of the NTHL1 protein (p.Ser135Leu). This variant is present in population databases (rs757412628, gnomAD 0.005%). This variant has not been reported in the literature in individuals affected with NTHL1-related conditions. ClinVar contains an entry for this variant (Variation ID: 840254). An algorithm developed to predict the effect of missense changes on protein structure and function (PolyPhen-2) suggests that this variant is likely to be disruptive. In summary, the available evidence is currently insufficient to determine the role of this variant in disease. Therefore, it has been classified as a Variant of Uncertain Significance.

Ambry Genetics
Classification: Uncertain significance for Hereditary cancer-predisposing syndrome. Last evaluated: 2025-01-19. Review status: criteria provided, single submitter. Criteria: Ambry Variant Classification Scheme 2023. Collection method: clinical testing. Allele origin: germline.
Comment: The p.S135L variant (also known as c.404C>T), located in coding exon 3 of the NTHL1 gene, results from a C to T substitution at nucleotide position 404. The serine at codon 135 is replaced by leucine, an amino acid with dissimilar properties. This amino acid position is well conserved in available vertebrate species. In addition, this alteration is predicted to be deleterious by in silico analysis. Based on the available evidence, the clinical significance of this variant remains unclear.

Blueprint Genetics
Classification: Uncertain significance. Last evaluated: 2023-10-26. Review status: criteria provided, single submitter. Criteria: ACMG Guidelines, 2015. Collection method: clinical testing. Allele origin: germline.

GeneDx
Classification: Uncertain significance. Last evaluated: 2019-11-15. Review status: criteria provided, single submitter. Criteria: GeneDx Variant Classification Process June 2021. Collection method: clinical testing. Allele origin: germline. Affected: yes.
Comment: Not observed at a significant frequency in large population cohorts (Lek 2016); In silico analysis, which includes protein predictors and evolutionary conservation, supports a deleterious effect; Has not been previously published as pathogenic or benign to our knowledge

NM_002528.7(NTHL1):c.380C>T (p.Ser127Leu)

Gene: NTHL1 (nth like DNA glycosylase 1; minus strand). Cytogenetic location: 16p13.3.
Variant type: single nucleotide variant.
Coding change: c.380C>T on transcript NM_002528.7 (MANE Select); coding-DNA position 380, C replaced by T.
Protein change: p.Ser127Leu; replaces serine 127 with leucine.
Molecular consequence: missense variant. On other transcripts: intron variant (1).
Genome position (GRCh38, 1-based): chr16:2,044,775, G>A on the plus strand (C>T on the coding strand, the complement: NTHL1 is on the minus strand). VCF-style: chr16-2044775-G-A. GRCh37 (hg19) VCF-style: chr16-2094776-G-A.
Other names: c.50C>T, p.Ser17Leu (NM_001318194.2); c.355-1049C>T (NM_001318193.2); short protein forms S127L, S17L.
Identifiers: ClinVar variation 840254 (VCV000840254.16), dbSNP rs757412628, ClinGen allele CA7828273.